The following is an entry in ClinVar:

NM_000051.4(ATM):c.9052A>G (p.Lys3018Glu)

Genes: ATM (ATM serine/threonine kinase; plus strand), C11orf65 (chromosome 11 open reading frame 65; minus strand). Cytogenetic location: 11q22.3.
Variant type: single nucleotide variant.
Coding change: c.9052A>G on transcript NM_000051.4 (MANE Select); coding-DNA position 9052, A replaced by G.
Protein change: p.Lys3018Glu; replaces lysine 3018 with glutamic acid.
Molecular consequence: missense variant. On other transcripts: intron variant (2).
Genome position (GRCh38, 1-based): chr11:108,365,389, A>G. VCF-style: chr11-108365389-A-G. GRCh37 (hg19) VCF-style: chr11-108236116-A-G.
Other names: c.9052A>G, p.Lys3018Glu (NM_001351834.2); c.640+20531T>C (NM_001330368.2); c.694+20531T>C (NM_001351110.2); short protein forms K3018E.
Identifiers: ClinVar variation 1024573 (VCV001024573.8), dbSNP rs2091243577, ClinGen allele CA382531503.

ClinVar aggregate classification (germline): Uncertain significance. Review status: criteria provided, multiple submitters, no conflicts (2 of 4 stars). 2 submissions from 2 submitters: Uncertain significance (2). Last evaluated 2025-03-02.

Conditions:
Ataxia-telangiectasia syndrome (AT). Also called: Ataxia telangiectasia (A-T); ATAXIA-TELANGIECTASIA, COMPLEMENTATION GROUP A; ATAXIA-TELANGIECTASIA, FRESNO VARIANT; Ataxia-telangiectasia; Ataxia-telangiectasia, complementation group E; LOUIS-BAR SYNDROME. Identifiers: Orphanet 100, MedGen C0004135, MONDO:0008840, OMIM 208900.

gnomAD v4.1: 1 of 1,614,200 alleles (0.000062%); highest among the groups gnomAD compares: Non-Finnish European, 0.000085%; no homozygotes.

Submissions (2):

GeneDx
Classification: Uncertain significance. Last evaluated: 2025-03-02. Review status: criteria provided, single submitter. Criteria: GeneDx Variant Classification Process June 2021. Collection method: clinical testing. Allele origin: germline. Affected: yes.
Comment: Not observed at significant frequency in large population cohorts (gnomAD); In silico analysis indicates that this missense variant does not alter protein structure/function; Has not been previously published as pathogenic or benign to our knowledge; This variant is associated with the following publications: (PMID: 23532176)

Labcorp Genetics (formerly Invitae), Labcorp
Classification: Uncertain significance for Ataxia-telangiectasia syndrome. Last evaluated: 2023-12-13. Review status: criteria provided, single submitter. Criteria: Invitae Variant Classification Sherloc (09022015). Collection method: clinical testing. Allele origin: germline.
Comment: This sequence change replaces lysine, which is basic and polar, with glutamic acid, which is acidic and polar, at codon 3018 of the ATM protein (p.Lys3018Glu). This variant is not present in population databases (gnomAD no frequency). This variant has not been reported in the literature in individuals affected with ATM-related conditions. ClinVar contains an entry for this variant (Variation ID: 1024573). An algorithm developed to predict the effect of missense changes on protein structure and function (PolyPhen-2) suggests that this variant is likely to be tolerated. In summary, the available evidence is currently insufficient to determine the role of this variant in disease. Therefore, it has been classified as a Variant of Uncertain Significance.